The following is an entry in ClinVar:

NM_015354.3(NUP188):c.1684T>C (p.Cys562Arg)

Gene: NUP188 (nucleoporin 188; plus strand). Cytogenetic location: 9q34.11.
Variant type: single nucleotide variant.
Coding change: c.1684T>C on transcript NM_015354.3 (MANE Select); coding-DNA position 1684, T replaced by C.
Protein change: p.Cys562Arg; replaces cysteine 562 with arginine.
Molecular consequence: missense variant.
Genome position (GRCh38, 1-based): chr9:128,982,916, T>C. VCF-style: chr9-128982916-T-C. GRCh37 (hg19) VCF-style: chr9-131745195-T-C.
Other names: short protein forms C562R.
Identifiers: ClinVar variation 2659556 (VCV002659556.24), dbSNP rs2492063774, ClinGen allele CA375090308.

ClinVar aggregate classification (germline): Uncertain significance (1 of 4 stars; one submission).

gnomAD v4.1: 3 of 1,614,224 alleles (0.00019%); highest among the groups gnomAD compares: Non-Finnish European, 0.00025%; no homozygotes.

Submission:

CeGaT Center for Human Genetics Tuebingen
Classification: Uncertain significance. Last evaluated: 2022-12-01. Review status: criteria provided, single submitter. Criteria: CeGaT Center For Human Genetics Tuebingen Variant Classification Criteria Version 2. Collection method: clinical testing. Allele origin: germline. Affected: yes. Observed: 1 variant allele.
Comment: NUP188: PM2